The following is an entry in ClinVar:

NM_014780.5(CUL7):c.2884C>T (p.Arg962Trp)

Gene: CUL7 (cullin 7; minus strand). Cytogenetic location: 6p21.1.
Variant type: single nucleotide variant.
Coding change: c.2884C>T on transcript NM_014780.5 (MANE Select); coding-DNA position 2884, C replaced by T.
Protein change: p.Arg962Trp; replaces arginine 962 with tryptophan.
Molecular consequence: missense variant.
Genome position (GRCh38, 1-based): chr6:43,045,381, G>A on the plus strand (C>T on the coding strand, the complement: CUL7 is on the minus strand). VCF-style: chr6-43045381-G-A. GRCh37 (hg19) VCF-style: chr6-43013119-G-A.
Other names: c.2980C>T, p.Arg994Trp (NM_001168370.2, NM_001374872.1); c.2884C>T, p.Arg962Trp (NM_001374873.1, NM_001374874.1); short protein forms R994W, R962W.
Identifiers: ClinVar variation 1396351 (VCV001396351.8), dbSNP rs754285114, ClinGen allele CA3813651.

ClinVar aggregate classification (germline): Uncertain significance (1 of 4 stars; one submission).

Allele frequency attached by ClinVar (database versions not stated): ExAC 0.00002; gnomAD exomes 0.00002 and 0.00005; TOPMed 0.00006; gnomAD 0.00008 and 0.00009.
gnomAD v4.1: 87 of 1,614,074 alleles (0.0054%); highest among the groups gnomAD compares: Non-Finnish European, 0.0069%; no homozygotes.

Submission:

Labcorp Genetics (formerly Invitae), Labcorp
Classification: Uncertain significance. Last evaluated: 2025-04-23. Review status: criteria provided, single submitter. Criteria: Invitae Variant Classification Sherloc (09022015). Collection method: clinical testing. Allele origin: germline.
Comment: This sequence change replaces arginine, which is basic and polar, with tryptophan, which is neutral and slightly polar, at codon 962 of the CUL7 protein (p.Arg962Trp). This variant is present in population databases (rs754285114, gnomAD 0.006%). This variant has not been reported in the literature in individuals affected with CUL7-related conditions. ClinVar contains an entry for this variant (Variation ID: 1396351). Invitae Evidence Modeling of protein sequence and biophysical properties (such as structural, functional, and spatial information, amino acid conservation, physicochemical variation, residue mobility, and thermodynamic stability) indicates that this missense variant is not expected to disrupt CUL7 protein function with a negative predictive value of 80%. In summary, the available evidence is currently insufficient to determine the role of this variant in disease. Therefore, it has been classified as a Variant of Uncertain Significance.